The following is an entry in ClinVar:

ClinVar aggregate classification (germline): Uncertain significance (1 of 4 stars; one submission).

Allele frequency attached by ClinVar (database versions not stated): gnomAD exomes 0.00006; ESP Exome Variant Server 0.00008; ExAC 0.00009; TOPMed 0.00024; gnomAD 0.00026; 1000 Genomes Project 30x 0.00031; 1000 Genomes Project 0.00040.
gnomAD v4.1: 139 of 1,613,606 alleles (0.0086%); highest among the groups gnomAD compares: African/African-American, 0.093%; no homozygotes.

Submission:

Labcorp Genetics (formerly Invitae), Labcorp
Classification: Uncertain significance. Last evaluated: 2025-07-08. Review status: criteria provided, single submitter. Criteria: Invitae Variant Classification Sherloc (09022015). Collection method: clinical testing. Allele origin: germline.
Comment: This sequence change replaces serine, which is neutral and polar, with leucine, which is neutral and non-polar, at codon 185 of the ITSN2 protein (p.Ser185Leu). This variant is present in population databases (rs145563967, gnomAD 0.06%), and has an allele count higher than expected for a pathogenic variant. This variant has not been reported in the literature in individuals affected with ITSN2-related conditions. ClinVar contains an entry for this variant (Variation ID: 2071081). An algorithm developed to predict the effect of missense changes on protein structure and function (PolyPhen-2) suggests that this variant is likely to be disruptive. In summary, the available evidence is currently insufficient to determine the role of this variant in disease. Therefore, it has been classified as a Variant of Uncertain Significance.

NM_006277.3(ITSN2):c.554C>T (p.Ser185Leu)

Gene: ITSN2 (intersectin 2; minus strand). Cytogenetic location: 2p23.3.
Variant type: single nucleotide variant.
Coding change: c.554C>T on transcript NM_006277.3 (MANE Select); coding-DNA position 554, C replaced by T.
Protein change: p.Ser185Leu; replaces serine 185 with leucine.
Molecular consequence: missense variant.
Genome position (GRCh38, 1-based): chr2:24,310,491, G>A on the plus strand (C>T on the coding strand, the complement: ITSN2 is on the minus strand). VCF-style: chr2-24310491-G-A. GRCh37 (hg19) VCF-style: chr2-24533360-G-A.
Other names: c.512C>T, p.Ser171Leu (NM_001348181.2, NM_001348184.2); c.554C>T, p.Ser185Leu (NM_001348182.2, NM_001348183.2, NM_001348185.2 and 3 more transcripts); short protein forms S185L, S171L.
Identifiers: ClinVar variation 2071081 (VCV002071081.4), dbSNP rs145563967, ClinGen allele CA1551752.